The following is an entry in ClinVar:

ClinVar aggregate classification (germline): Likely benign (1 of 4 stars; one submission).

gnomAD v4.1: 1 of 727,712 alleles (0.00014%); highest among the groups gnomAD compares: Non-Finnish European, 0.00024%; no homozygotes.

Submission:

GeneDx
Classification: Likely benign. Last evaluated: 2016-05-25. Review status: criteria provided, single submitter. Criteria: GeneDx Variant Classification (06012015). Collection method: clinical testing. Allele origin: germline. Affected: yes.
Comment: This variant is considered likely benign or benign based on one or more of the following criteria: it is a conservative change, it occurs at a poorly conserved position in the protein, it is predicted to be benign by multiple in silico algorithms, and/or has population frequency not consistent with disease.

NM_004329.3(BMPR1A):c.-148C>G

Gene: BMPR1A (bone morphogenetic protein receptor type 1A; plus strand). Cytogenetic location: 10q23.2.
Variant type: single nucleotide variant.
Coding change: c.-148C>G on transcript NM_004329.3 (MANE Select); 148 bases upstream of the start codon, C replaced by G.
Molecular consequence: 5 prime UTR variant.
Genome position (GRCh38, 1-based): chr10:86,875,871, C>G. VCF-style: chr10-86875871-C-G. GRCh37 (hg19) VCF-style: chr10-88635628-C-G.
Identifiers: ClinVar variation 386510 (VCV000386510.1), dbSNP rs1057522518, ClinGen allele CA16605706.